The following is an entry in ClinVar:

NM_002227.4(JAK1):c.3027C>T (p.Val1009=)

Gene: JAK1 (Janus kinase 1; minus strand). Cytogenetic location: 1p31.3.
Variant type: single nucleotide variant.
Coding change: c.3027C>T on transcript NM_002227.4 (MANE Select); coding-DNA position 3027, C replaced by T.
Protein change: p.Val1009=; no amino-acid change (valine 1009 retained).
Molecular consequence: synonymous variant.
Genome position (GRCh38, 1-based): chr1:64,838,045, G>A on the plus strand (C>T on the coding strand, the complement: JAK1 is on the minus strand). VCF-style: chr1-64838045-G-A. GRCh37 (hg19) VCF-style: chr1-65303728-G-A.
Other names: c.3027C>T, p.Val1009= (NM_001320923.2, NM_001321852.2, NM_001321853.2 and 3 more transcripts); c.3024C>T, p.Val1008= (NM_001321857.2); c.3027C>T (NM_002227.3).
Identifiers: ClinVar variation 2071481 (VCV002071481.7), dbSNP rs372734858, ClinGen allele CA23899033.

ClinVar aggregate classification (germline): Likely benign. Review status: criteria provided, multiple submitters, no conflicts (2 of 4 stars). 3 submissions from 3 submitters: Likely benign (2). 1 of the submissions does not count toward it. Last evaluated 2024-06-22.

Conditions:
JAK1-related disorder. Also called: JAK1-related condition.

Allele frequency attached by ClinVar (database versions not stated): gnomAD 0.00001; TOPMed 0.00001; gnomAD exomes 0.00003; ESP Exome Variant Server 0.00008.
gnomAD v4.1: 37 of 1,613,998 alleles (0.0023%); highest among the groups gnomAD compares: Non-Finnish European, 0.0031%; no homozygotes.

Submissions (3):

Labcorp Genetics (formerly Invitae), Labcorp
Classification: Likely benign. Last evaluated: 2024-06-22. Review status: criteria provided, single submitter. Criteria: Invitae Variant Classification Sherloc (09022015). Collection method: clinical testing. Allele origin: germline.

Blueprint Genetics
Classification: Likely benign. Last evaluated: 2022-06-22. Review status: criteria provided, single submitter. Criteria: ACMG Guidelines, 2015. Collection method: clinical testing. Allele origin: germline.

PreventionGenetics, part of Exact Sciences
Classification: Likely benign for JAK1-related condition. Last evaluated: 2023-10-16. Review status: no assertion criteria provided. Collection method: clinical testing. Allele origin: germline. Not counted in ClinVar's aggregate classification.
Comment: This variant is classified as likely benign based on ACMG/AMP sequence variant interpretation guidelines (Richards et al. 2015 PMID: 25741868, with internal and published modifications).